The following is an entry in ClinVar:

ClinVar aggregate classification (germline): Pathogenic. Review status: criteria provided, multiple submitters, no conflicts (2 of 4 stars). 4 submissions from 4 submitters: Pathogenic (4). Last evaluated 2024-07-03.

Conditions:
Hereditary cancer-predisposing syndrome. Also called: Tumor predisposition; Hereditary Cancer Syndrome; Neoplastic Syndromes, Hereditary; Hereditary neoplastic syndrome. Identifiers: Orphanet 140162, MedGen C0027672, MeSH D009386, MONDO:0015356.
Birt-Hogg-Dube syndrome. Also called: Birt Hogg Dubé syndrome. Identifiers: Orphanet 122, MedGen C0346010, MONDO:0800444.

Submissions (4):

Labcorp Genetics (formerly Invitae), Labcorp
Classification: Pathogenic for Birt-Hogg-Dube syndrome. Last evaluated: 2024-07-03. Review status: criteria provided, single submitter. Criteria: Invitae Variant Classification Sherloc (09022015). Collection method: clinical testing. Allele origin: germline.
Comment: This sequence change creates a premature translational stop signal (p.Gln212*) in the FLCN gene. It is expected to result in an absent or disrupted protein product. Loss-of-function variants in FLCN are known to be pathogenic (PMID: 15852235). This variant is not present in population databases (gnomAD no frequency). This premature translational stop signal has been observed in individual(s) with clinical features of FLCN-related conditions (Invitae). ClinVar contains an entry for this variant (Variation ID: 253232). For these reasons, this variant has been classified as Pathogenic.

Women's Health and Genetics/Laboratory Corporation of America, LabCorp
Classification: Pathogenic for Birt-Hogg-Dube syndrome. Last evaluated: 2023-06-15. Review status: criteria provided, single submitter. Criteria: LabCorp Variant Classification Summary - May 2015. Collection method: clinical testing. Allele origin: germline.
Comment: Variant summary: FLCN c.634C>T (p.Gln212X) results in a premature termination codon, predicted to cause absence of the protein due to nonsense mediated decay, which is a commonly known mechanism for disease. The variant was absent in 251442 control chromosomes (gnomAD). c.634C>T has been reported in the literature in individuals affected with Birt-Hogg-Dube Syndrome (Ray_2022, Zhang_2022). These data indicate that the variant is likely to be associated with disease. The following publications have been ascertained in the context of this evaluation (PMID: 35477461, 35578266). Three clinical diagnostic laboratories have submitted clinical-significance assessments for this variant to ClinVar after 2014, and classified it as pathogenic. Based on the evidence outlined above, the variant was classified as pathogenic.

Ambry Genetics
Classification: Pathogenic for Hereditary cancer-predisposing syndrome. Last evaluated: 2022-11-23. Review status: criteria provided, single submitter. Criteria: Ambry Variant Classification Scheme 2023. Collection method: clinical testing. Allele origin: germline.
Comment: The p.Q212* pathogenic mutation (also known as c.634C>T), located in coding exon 4 of the FLCN gene, results from a C to T substitution at nucleotide position 634. This changes the amino acid from a glutamine to a stop codon within coding exon 4. This alteration has been observed in multiple individuals with a personal and/or family history that is consistent with FLCN-related disease (Ambry internal data; Ray A et al. Orphanet J Rare Dis, 2022 04;17:176). This variant is considered to be rare based on population cohorts in the Genome Aggregation Database (gnomAD). In addition to the clinical data presented in the literature, this alteration is expected to result in loss of function by premature protein truncation or nonsense-mediated mRNA decay. As such, this alteration is interpreted as a disease-causing mutation.

Genomic Diagnostic Laboratory, Division of Genomic Diagnostics, Children's Hospital of Philadelphia
Classification: Pathogenic for Birt-Hogg-Dube Syndrome. Last evaluated: 2016-07-18. Review status: criteria provided, single submitter. Criteria: DGD Variant Analysis Guidelines. Collection method: clinical testing. Allele origin: germline. Affected: yes. Observed: 1 variant allele.
Comment: Clinical Testing

Literature cited by the submitters: PubMed 15852235 (cited by Labcorp Genetics (formerly Invitae), Labcorp); PubMed 35477461 (cited by Women's Health and Genetics/Laboratory Corporation of America, LabCorp and Ambry Genetics); PubMed 35578266 (cited by Women's Health and Genetics/Laboratory Corporation of America, LabCorp).

NM_144997.7(FLCN):c.634C>T (p.Gln212Ter)

Gene: FLCN (folliculin; minus strand). Cytogenetic location: 17p11.2.
Variant type: single nucleotide variant.
Coding change: c.634C>T on transcript NM_144997.7 (MANE Select); coding-DNA position 634, C replaced by T.
Protein change: p.Gln212Ter; replaces glutamine 212 with a stop codon.
Molecular consequence: nonsense.
Genome position (GRCh38, 1-based): chr17:17,222,646, G>A on the plus strand (C>T on the coding strand, the complement: FLCN is on the minus strand). VCF-style: chr17-17222646-G-A. GRCh37 (hg19) VCF-style: chr17-17125960-G-A.
Other names: c.634C>T (LRG_325t1); c.688C>T, p.Gln230Ter (NM_001353229.2); c.634C>T, p.Gln212Ter (NM_001353230.2, NM_001353231.2, NM_144606.7); short protein forms Q212*, Q230*.
Identifiers: ClinVar variation 253232 (VCV000253232.9), dbSNP rs558699420, ClinGen allele CA10586270.